The following is an entry in ClinVar:

NM_000384.3(APOB):c.963G>C (p.Gln321His)

Gene: APOB (apolipoprotein B; minus strand). Cytogenetic location: 2p24.1.
Variant type: single nucleotide variant.
Coding change: c.963G>C on transcript NM_000384.3 (MANE Select); coding-DNA position 963, G replaced by C.
Protein change: p.Gln321His; replaces glutamine 321 with histidine.
Molecular consequence: missense variant.
Genome position (GRCh38, 1-based): chr2:21,033,460, C>G on the plus strand (G>C on the coding strand, the complement: APOB is on the minus strand). VCF-style: chr2-21033460-C-G. GRCh37 (hg19) VCF-style: chr2-21256332-C-G.
Other names: short protein forms Q321H.
Identifiers: ClinVar variation 5028688 (VCV005028688.1).

ClinVar aggregate classification (germline): Uncertain significance (1 of 4 stars; one submission).

Conditions:
Cardiovascular phenotype. Identifiers: MedGen CN230736.

Submission:

Ambry Genetics
Classification: Uncertain significance for Cardiovascular phenotype. Last evaluated: 2026-09-12. Review status: criteria provided, single submitter. Criteria: Ambry Variant Classification Scheme 2023. Collection method: clinical testing. Allele origin: germline.
Comment: The p.Q321H variant (also known as c.963G>C), located in coding exon 9 of the APOB gene, results from a G to C substitution at nucleotide position 963. The glutamine at codon 321 is replaced by histidine, an amino acid with highly similar properties. This amino acid position is conserved. In addition, this alteration is predicted to be tolerated by in silico analysis. Based on the available evidence, the clinical significance of this variant remains unclear.